The following is an entry in ClinVar:

ClinVar aggregate classification (germline): Benign. Review status: criteria provided, multiple submitters, no conflicts (2 of 4 stars). 4 submissions from 3 submitters: Benign (4). Last evaluated 2026-01-15.

Conditions:
Atrichia with papular lesions (APL). Also called: PAPULAR ATRICHIA. Identifiers: Orphanet 86819, MedGen C1859592, MONDO:0008847, OMIM 209500.
Alopecia universalis congenita (ALUNC). Also called: ATRICHIA, GENERALIZED. Identifiers: Orphanet 701, MedGen C1859877, MONDO:0008757, OMIM 203655.

Allele frequency attached by ClinVar (database versions not stated): gnomAD exomes 0.00251; ExAC 0.00322; 1000 Genomes Project 0.00839; 1000 Genomes Project 30x 0.00874; gnomAD 0.01061 and 0.01153; ESP Exome Variant Server 0.01069; TOPMed 0.01167.
gnomAD v4.1: 2,995 of 1,613,880 alleles (0.19%); highest among the groups gnomAD compares: African/African-American, 3.7%; 48 homozygotes.

Submissions (4):

Labcorp Genetics (formerly Invitae), Labcorp
Classification: Benign. Last evaluated: 2026-01-15. Review status: criteria provided, single submitter. Criteria: Invitae Variant Classification Sherloc (09022015). Collection method: clinical testing. Allele origin: germline.

Illumina Laboratory Services, Illumina
Classification: Benign for Atrichia with papular lesions. Last evaluated: 2018-01-13. Review status: criteria provided, single submitter. Criteria: ICSL Variant Classification Criteria 13 December 2019. Collection method: clinical testing. Allele origin: germline.
Comment: This variant was observed in the ICSL laboratory as part of a predisposition screen in an ostensibly healthy population. It had not been previously curated by ICSL or reported in the Human Gene Mutation Database (HGMD: prior to June 1st, 2018), and was therefore a candidate for classification through an automated scoring system. Utilizing variant allele frequency, disease prevalence and penetrance estimates, and inheritance mode, an automated score was calculated to assess if this variant is too frequent to cause the disease. Based on the score and internal cut-off values, a variant classified as benign is not then subjected to further curation. The score for this variant resulted in a classification of benign for this disease.

Illumina Laboratory Services, Illumina
Classification: Benign for Alopecia universalis congenita. Last evaluated: 2018-01-13. Review status: criteria provided, single submitter. Criteria: ICSL Variant Classification Criteria 13 December 2019. Collection method: clinical testing. Allele origin: germline.
Comment: the same text as in the submission from Illumina Laboratory Services, Illumina above.

Breakthrough Genomics
Classification: Benign. Review status: criteria provided, single submitter. Criteria: ACMG Guidelines, 2015. Collection method: not provided. Allele origin: germline. Inheritance: Autosomal recessive inheritance. Affected: yes.

NM_005144.5(HR):c.1461C>T (p.Cys487=)

Gene: HR (HR lysine demethylase and nuclear receptor corepressor; minus strand). Cytogenetic location: 8p21.3.
Variant type: single nucleotide variant.
Coding change: c.1461C>T on transcript NM_005144.5 (MANE Select); coding-DNA position 1461, C replaced by T.
Protein change: p.Cys487=; no amino-acid change (cysteine 487 retained).
Molecular consequence: synonymous variant.
Genome position (GRCh38, 1-based): chr8:22,125,677, G>A on the plus strand (C>T on the coding strand, the complement: HR is on the minus strand). VCF-style: chr8-22125677-G-A. GRCh37 (hg19) VCF-style: chr8-21983190-G-A.
Other names: c.1461C>T, p.Cys487= (NM_018411.4).
Identifiers: ClinVar variation 362517 (VCV000362517.10), dbSNP rs78703240, ClinGen allele CA4662452.